The following is an entry in ClinVar:

ClinVar aggregate classification (germline): Likely pathogenic (1 of 4 stars; one submission).

Conditions:
Glycogen storage disease, type IV (GSD4). Also called: AMYLOPECTINOSIS; ANDERSEN DISEASE; BRANCHER DEFICIENCY; CIRRHOSIS, FAMILIAL, WITH DEPOSITION OF ABNORMAL GLYCOGEN; GBE1 DEFICIENCY; GLYCOGEN BRANCHING ENZYME DEFICIENCY. Identifiers: Orphanet 367, MedGen C0017923, MONDO:0009292, OMIM 232500.
Glycogen storage disease IV, classic hepatic. Also called: GSD IV, CLASSIC HEPATIC. Identifiers: MedGen C1856301.

Allele frequency attached by ClinVar (database versions not stated): gnomAD exomes below 0.00001.
gnomAD v4.1: 1 of 1,553,604 alleles (0.000064%); highest among the groups gnomAD compares: Non-Finnish European, 0.000089%; no homozygotes.

Submission:

Labcorp Genetics (formerly Invitae), Labcorp
Classification: Likely pathogenic for Glycogen storage disease, type IV; Glycogen storage disease IV, classic hepatic. Last evaluated: 2022-11-10. Review status: criteria provided, single submitter. Criteria: Invitae Variant Classification Sherloc (09022015). Collection method: clinical testing. Allele origin: germline.
Comment: In summary, the currently available evidence indicates that the variant is pathogenic, but additional data are needed to prove that conclusively. Therefore, this variant has been classified as Likely Pathogenic. This variant has not been reported in the literature in individuals affected with GBE1-related conditions. This variant is not present in population databases (gnomAD no frequency). This sequence change affects an acceptor splice site in intron 14 of the GBE1 gene. It is expected to disrupt RNA splicing. Variants that disrupt the donor or acceptor splice site typically lead to a loss of protein function (PMID: 16199547), and loss-of-function variants in GBE1 are known to be pathogenic (PMID: 15452297, 20058079).

Literature cited by the submitters: PubMed 16199547; PubMed 15452297; PubMed 20058079.

NM_000158.4(GBE1):c.1935-2A>G

Gene: GBE1 (1,4-alpha-glucan branching enzyme 1; minus strand). Cytogenetic location: 3p12.2.
Variant type: single nucleotide variant.
Coding change: c.1935-2A>G on transcript NM_000158.4 (MANE Select); the canonical splice acceptor site of the intron before coding-DNA position 1935, A replaced by G.
Molecular consequence: splice acceptor variant.
Genome position (GRCh38, 1-based): chr3:81,499,229, T>C on the plus strand (A>G on the coding strand, the complement: GBE1 is on the minus strand). VCF-style: chr3-81499229-T-C. GRCh37 (hg19) VCF-style: chr3-81548380-T-C.
Identifiers: ClinVar variation 2941457 (VCV002941457.3), dbSNP rs2471633372, ClinGen allele CA353684541.